The following is an entry in ClinVar:

ClinVar aggregate classification (germline): Uncertain significance (1 of 4 stars; one submission).

Allele frequency attached by ClinVar (database versions not stated): gnomAD 0.00001.
gnomAD v4.1: 4 of 1,614,048 alleles (0.00025%); highest among the groups gnomAD compares: South Asian, 0.0044%; no homozygotes.

Submission:

GeneDx
Classification: Uncertain significance. Last evaluated: 2023-04-24. Review status: criteria provided, single submitter. Criteria: GeneDx Variant Classification Process June 2021. Collection method: clinical testing. Allele origin: germline. Affected: yes.
Comment: Not observed at significant frequency in large population cohorts (gnomAD); Missense variant in a gene in which most reported pathogenic variants are truncating/loss of function; Has not been previously published as pathogenic or benign to our knowledge

NM_001267550.2(TTN):c.1379T>C (p.Ile460Thr)

Gene: TTN (titin; minus strand). Cytogenetic location: 2q31.2.
Variant type: single nucleotide variant.
Coding change: c.1379T>C on transcript NM_001267550.2 (MANE Select); coding-DNA position 1379, T replaced by C.
Protein change: p.Ile460Thr; replaces isoleucine 460 with threonine.
Molecular consequence: missense variant.
Genome position (GRCh38, 1-based): chr2:178,794,418, A>G on the plus strand (T>C on the coding strand, the complement: TTN is on the minus strand). VCF-style: chr2-178794418-A-G. GRCh37 (hg19) VCF-style: chr2-179659145-A-G.
Other names: c.1379T>C, p.Ile460Thr (NM_001256850.1, NM_003319.4, NM_133378.4 and 3 more transcripts); short protein forms I460T.
Identifiers: ClinVar variation 2663498 (VCV002663498.1), dbSNP rs2093665226, ClinGen allele CA349515396.